The following is an entry in ClinVar:

ClinVar aggregate classification (germline): Uncertain significance (1 of 4 stars; one submission).

Conditions:
Intellectual developmental disorder, autosomal dominant 1. Also called: MBD5 Haploinsufficiency; Intellectual disability, autosomal dominant 1. Identifiers: Orphanet 228402, MedGen C1969562, MONDO:0007974, OMIM 156200.

Submission:

Labcorp Genetics (formerly Invitae), Labcorp
Classification: Uncertain significance for Intellectual developmental disorder, autosomal dominant 1. Last evaluated: 2025-07-14. Review status: criteria provided, single submitter. Criteria: Invitae Variant Classification Sherloc (09022015). Collection method: clinical testing. Allele origin: germline.
Comment: This sequence change replaces histidine, which is basic and polar, with proline, which is neutral and non-polar, at codon 1145 of the MBD5 protein (p.His1145Pro). This variant is not present in population databases (gnomAD no frequency). This variant has not been reported in the literature in individuals affected with MBD5-related conditions. Experimental studies and prediction algorithms are not available or were not evaluated, and the functional significance of this variant is currently unknown. In summary, the available evidence is currently insufficient to determine the role of this variant in disease. Therefore, it has been classified as a Variant of Uncertain Significance.

NM_001378120.1(MBD5):c.4133A>C (p.His1378Pro)

Gene: MBD5 (methyl-CpG binding domain protein 5; plus strand). Cytogenetic location: 2q23.1.
Variant type: single nucleotide variant.
Coding change: c.4133A>C on transcript NM_001378120.1 (MANE Select); coding-DNA position 4133, A replaced by C.
Protein change: p.His1378Pro; replaces histidine 1378 with proline.
Molecular consequence: missense variant.
Genome position (GRCh38, 1-based): chr2:148,489,765, A>C. VCF-style: chr2-148489765-A-C. GRCh37 (hg19) VCF-style: chr2-149247334-A-C.
Other names: c.3434A>C, p.His1145Pro (NM_001438861.1, NM_001438862.1, NM_018328.5 and 3 more transcripts); c.4133A>C, p.His1378Pro (NM_001438854.1, NM_001438856.1, NM_001438857.1 and 1 more transcripts); short protein forms H1145P, H1378P.
Identifiers: ClinVar variation 4797903 (VCV004797903.1).